The following is an entry in ClinVar:

NM_017791.3(FLVCR2):c.866C>G (p.Ala289Gly)

Gene: FLVCR2 (FLVCR choline and putative heme transporter 2; plus strand). Cytogenetic location: 14q24.3.
Variant type: single nucleotide variant.
Coding change: c.866C>G on transcript NM_017791.3 (MANE Select); coding-DNA position 866, C replaced by G.
Protein change: p.Ala289Gly; replaces alanine 289 with glycine.
Molecular consequence: missense variant.
Genome position (GRCh38, 1-based): chr14:75,624,666, C>G. VCF-style: chr14-75624666-C-G. GRCh37 (hg19) VCF-style: chr14-76091009-C-G.
Other names: c.866C>G (NM_017791.2); c.251C>G, p.Ala84Gly (NM_001195283.2); short protein forms A84G, A289G.
Identifiers: ClinVar variation 2077059 (VCV002077059.5), dbSNP rs748748670, ClinGen allele CA263671358.

ClinVar aggregate classification (germline): Uncertain significance. Review status: criteria provided, multiple submitters, no conflicts (2 of 4 stars). 2 submissions from 2 submitters: Uncertain significance (2). Last evaluated 2025-10-29.

Conditions:
Inborn genetic diseases. Identifiers: MedGen C0950123, MeSH D030342.

gnomAD v4.1: 4 of 1,614,078 alleles (0.00025%); highest among the groups gnomAD compares: Admixed American, 0.0067%; no homozygotes.

Submissions (2):

Ambry Genetics
Classification: Uncertain significance for Inborn genetic diseases. Last evaluated: 2025-10-29. Review status: criteria provided, single submitter. Criteria: Ambry Variant Classification Scheme 2023. Collection method: clinical testing. Allele origin: germline.
Comment: The c.866C>G (p.A289G) alteration is located in exon 3 (coding exon 3) of the FLVCR2 gene. This alteration results from a C to G substitution at nucleotide position 866, causing the alanine (A) at amino acid position 289 to be replaced by a glycine (G). Based on data from gnomAD, the G allele has an overall frequency of 0.001% (2/251422) total alleles studied. The highest observed frequency was 0.006% (2/34592) of Latino alleles. Based on insufficient or conflicting evidence, the clinical significance of this alteration remains unclear.

Labcorp Genetics (formerly Invitae), Labcorp
Classification: Uncertain significance. Last evaluated: 2022-05-22. Review status: criteria provided, single submitter. Criteria: Invitae Variant Classification Sherloc (09022015). Collection method: clinical testing. Allele origin: germline.
Comment: In summary, the available evidence is currently insufficient to determine the role of this variant in disease. Therefore, it has been classified as a Variant of Uncertain Significance. Algorithms developed to predict the effect of missense changes on protein structure and function (SIFT, PolyPhen-2, Align-GVGD) all suggest that this variant is likely to be tolerated. This variant has not been reported in the literature in individuals affected with FLVCR2-related conditions. This variant is present in population databases (no rsID available, gnomAD 0.006%). This sequence change replaces alanine, which is neutral and non-polar, with glycine, which is neutral and non-polar, at codon 289 of the FLVCR2 protein (p.Ala289Gly).